The following is an entry in ClinVar:

ClinVar aggregate classification (germline): Uncertain significance (1 of 4 stars; one submission).

gnomAD v4.1: 1 of 1,613,464 alleles (0.000062%); highest among the groups gnomAD compares: East Asian, 0.0022%; no homozygotes.

Submission:

Labcorp Genetics (formerly Invitae), Labcorp
Classification: Uncertain significance. Last evaluated: 2025-09-23. Review status: criteria provided, single submitter. Criteria: Invitae Variant Classification Sherloc (09022015). Collection method: clinical testing. Allele origin: germline.
Comment: This sequence change replaces phenylalanine, which is neutral and non-polar, with leucine, which is neutral and non-polar, at codon 1631 of the HMCN1 protein (p.Phe1631Leu). This variant is not present in population databases (gnomAD no frequency). This variant has not been reported in the literature in individuals affected with HMCN1-related conditions. An algorithm developed to predict the effect of missense changes on protein structure and function (PolyPhen-2) suggests that this variant is likely to be disruptive. In summary, the available evidence is currently insufficient to determine the role of this variant in disease. Therefore, it has been classified as a Variant of Uncertain Significance.

NM_031935.3(HMCN1):c.4893C>A (p.Phe1631Leu)

Gene: HMCN1 (hemicentin 1; plus strand). Cytogenetic location: 1q31.1.
Variant type: single nucleotide variant.
Coding change: c.4893C>A on transcript NM_031935.3 (MANE Select); coding-DNA position 4893, C replaced by A.
Protein change: p.Phe1631Leu; replaces phenylalanine 1631 with leucine.
Molecular consequence: missense variant.
Genome position (GRCh38, 1-based): chr1:186,015,421, C>A. VCF-style: chr1-186015421-C-A. GRCh37 (hg19) VCF-style: chr1-185984553-C-A.
Other names: short protein forms F1631L.
Identifiers: ClinVar variation 4701111 (VCV004701111.1).